The following is an entry in ClinVar:

ClinVar aggregate classification (germline): Pathogenic (1 of 4 stars; one submission).

Submission:

Labcorp Genetics (formerly Invitae), Labcorp
Classification: Pathogenic. Last evaluated: 2024-03-30. Review status: criteria provided, single submitter. Criteria: Invitae Variant Classification Sherloc (09022015). Collection method: clinical testing. Allele origin: germline.
Comment: This sequence change creates a premature translational stop signal (p.Leu501Profs*33) in the FZD4 gene. While this is not anticipated to result in nonsense mediated decay, it is expected to disrupt the last 37 amino acid(s) of the FZD4 protein. This variant is not present in population databases (gnomAD no frequency). This premature translational stop signal has been observed in individual(s) with clinical features of exudative vitreoretinopathy (Invitae). ClinVar contains an entry for this variant (Variation ID: 2018964). This variant disrupts a region of the FZD4 protein in which other variant(s) (p.Gln505*) have been determined to be pathogenic (PMID: 15223780, 23077402). This suggests that this is a clinically significant region of the protein, and that variants that disrupt it are likely to be disease-causing. For these reasons, this variant has been classified as Pathogenic.

Literature cited by the submitters: PubMed 15223780; PubMed 23077402.

NM_012193.4(FZD4):c.1502_1503del (p.Leu501fs)

Genes: FZD4 (frizzled class receptor 4; minus strand), PRSS23 (serine protease 23; plus strand). Cytogenetic location: 11q14.2.
Variant type: Deletion.
Coding change: c.1502_1503del on transcript NM_012193.4 (MANE Select); coding-DNA positions 1502 to 1503, 2 bases deleted (TT; older notation c.1502_1503delTT).
Protein change: p.Leu501fs; shifts the reading frame from leucine 501.
Molecular consequence: frameshift variant. On other transcripts: non-coding transcript variant (2).
Genome position (GRCh38, 1-based): chr11:86,951,253-86,951,254, AA deleted on the plus strand (TT on the coding strand, the reverse complement: FZD4 is on the minus strand). VCF-style (leftmost placement, unchanged base first): chr11-86951252-GAA-G. GRCh37 (hg19) VCF-style: chr11-86662294-GAA-G.
Other names: short protein forms L501fs.
Identifiers: ClinVar variation 2018964 (VCV002018964.4), dbSNP rs2495864953, ClinGen allele CA2580085006.